The following is an entry in ClinVar:

NM_001034853.2(RPGR):c.1649del (p.Met550fs)

Gene: RPGR (retinitis pigmentosa GTPase regulator; minus strand). Cytogenetic location: Xp11.4.
Variant type: Deletion.
Coding change: c.1649del on transcript NM_001034853.2 (MANE Select); coding-DNA position 1649, one base deleted (T; older notation c.1649delT).
Protein change: p.Met550fs; shifts the reading frame from methionine 550.
Molecular consequence: frameshift variant. On other transcripts: non-coding transcript variant (1), intron variant (5).
Genome position (GRCh38, 1-based): chrX:38,287,965, A deleted on the plus strand (T on the coding strand, the reverse complement: RPGR is on the minus strand). VCF-style (leftmost placement, unchanged base first): chrX-38287964-CA-C. GRCh37 (hg19) VCF-style: chrX-38147217-CA-C.
Other names: c.1649del, p.Met550fs (NM_000328.3); c.1646del, p.Met549fs (NM_001367245.1); c.1463del, p.Met488fs (NM_001367246.1); c.1569+2994del (NM_001367249.1, NM_001367250.1); c.1386+2994del (NM_001367251.1); c.1572+2994del (NM_001367247.1); c.1602+2994del (NM_001367248.1); short protein forms M550fs, M488fs, M549fs.
Identifiers: ClinVar variation 1895582 (VCV001895582.5), dbSNP rs2519798585, ClinGen allele CA2580100795.

ClinVar aggregate classification (germline): Pathogenic (1 of 4 stars; one submission).

Conditions:
Primary ciliary dyskinesia. Also called: Ciliary dyskinesia. Identifiers: Orphanet 244, MedGen C0008780, MONDO:0016575, HP:0012265.

Submission:

Labcorp Genetics (formerly Invitae), Labcorp
Classification: Pathogenic for Primary ciliary dyskinesia. Last evaluated: 2022-02-05. Review status: criteria provided, single submitter. Criteria: Invitae Variant Classification Sherloc (09022015). Collection method: clinical testing. Allele origin: germline.
Comment: For these reasons, this variant has been classified as Pathogenic. This variant has not been reported in the literature in individuals affected with RPGR-related conditions. This variant is not present in population databases (gnomAD no frequency). This sequence change creates a premature translational stop signal (p.Met550Serfs*4) in the RPGR gene. It is expected to result in an absent or disrupted protein product. Loss-of-function variants in RPGR are known to be pathogenic (PMID: 16055928, 16969763).

Literature cited by the submitters: PubMed 16055928; PubMed 16969763.